The following is an entry in ClinVar:

NM_000088.4(COL1A1):c.1127dup (p.Gly377fs)

Gene: COL1A1 (collagen type I alpha 1 chain; minus strand). Cytogenetic location: 17q21.33.
Variant type: Duplication.
Coding change: c.1127dup on transcript NM_000088.4 (MANE Select); coding-DNA position 1127, one base duplicated (C; older notation c.1127dupC).
Protein change: p.Gly377fs; shifts the reading frame from glycine 377.
Molecular consequence: frameshift variant.
Genome position (GRCh38, 1-based): chr17:50,195,595, G duplicated on the plus strand (C on the coding strand, the reverse complement: COL1A1 is on the minus strand); the first of 6 consecutive G bases (chr17:50,195,595-50,195,600); duplicating any one gives the same sequence. VCF-style (leftmost placement, unchanged base first): chr17-50195594-A-AG. GRCh37 (hg19) VCF-style: chr17-48272955-A-AG.
Other names: c.1127dupC (NM_000088.3); c.1127dup, p.Gly377fs (LRG_1t1); short protein forms G377fs.
Identifiers: ClinVar variation 425581 (VCV000425581.9), dbSNP rs72645369, ClinGen allele CA645294114.

ClinVar aggregate classification (germline): Pathogenic. Review status: criteria provided, multiple submitters, no conflicts (2 of 4 stars). 3 submissions from 3 submitters: Pathogenic (2). 1 of the submissions does not count toward it. Last evaluated 2024-12-27.

Conditions:
Osteogenesis imperfecta type I (OI1). Also called: Lobstein's Disease; Lobstein disease; Osteogenesis imperfecta type 1; OI, TYPE I; OSTEOGENESIS IMPERFECTA TARDA; OSTEOGENESIS IMPERFECTA WITH BLUE SCLERAE. Identifiers: Orphanet 216796, Orphanet 666, MedGen C0023931, MONDO:0008146, OMIM 166200. Disease mechanism: loss of function.

Submissions (3):

GeneDx
Classification: Pathogenic. Last evaluated: 2024-12-27. Review status: criteria provided, single submitter. Criteria: GeneDx Variant Classification Process June 2021. Collection method: clinical testing. Allele origin: germline. Affected: yes.
Comment: Identified in patients with osteogenesis imperfecta referred for genetic testing at GeneDx and in published literature (PMID: 8808594); Frameshift variant predicted to result in protein truncation or nonsense mediated decay in a gene for which loss-of-function is a known mechanism of disease; Not observed at significant frequency in large population cohorts (gnomAD); This variant is associated with the following publications: (PMID: 8808594)

Labcorp Genetics (formerly Invitae), Labcorp
Classification: Pathogenic for Osteogenesis imperfecta type I. Last evaluated: 2023-10-05. Review status: criteria provided, single submitter. Criteria: Invitae Variant Classification Sherloc (09022015). Collection method: clinical testing. Allele origin: germline.
Comment: This sequence change creates a premature translational stop signal (p.Gly377Trpfs*15) in the COL1A1 gene. It is expected to result in an absent or disrupted protein product. Loss-of-function variants in COL1A1 are known to be pathogenic (PMID: 7942841, 9295084, 9443882). This variant is not present in population databases (gnomAD no frequency). This premature translational stop signal has been observed in individual(s) with osteogenesis imperfecta type I (PMID: 8808594). ClinVar contains an entry for this variant (Variation ID: 425581). For these reasons, this variant has been classified as Pathogenic.

Department of Medical Sciences, Uppsala University
Classification: Pathogenic for OI type I. Review status: no assertion criteria provided. Collection method: clinical testing. Allele origin: maternal, paternal. Affected: yes. Observed: 3 variant alleles. Not counted in ClinVar's aggregate classification.

Literature cited by the submitters: PubMed 7942841 (cited by Labcorp Genetics (formerly Invitae), Labcorp); PubMed 9295084 (cited by Labcorp Genetics (formerly Invitae), Labcorp); PubMed 9443882 (cited by Labcorp Genetics (formerly Invitae), Labcorp); PubMed 8808594 (cited by Labcorp Genetics (formerly Invitae), Labcorp); PubMed 25944380 (cited by Department of Medical Sciences, Uppsala University).